The following is an entry in ClinVar:

NM_018433.6(KDM3A):c.3957C>G (p.Gly1319=)

Gene: KDM3A (lysine demethylase 3A; plus strand). Cytogenetic location: 2p11.2.
Variant type: single nucleotide variant.
Coding change: c.3957C>G on transcript NM_018433.6 (MANE Select); coding-DNA position 3957, C replaced by G.
Protein change: p.Gly1319=; no amino-acid change (glycine 1319 retained).
Molecular consequence: synonymous variant.
Genome position (GRCh38, 1-based): chr2:86,492,110, C>G. VCF-style: chr2-86492110-C-G. GRCh37 (hg19) VCF-style: chr2-86719233-C-G.
Other names: c.3957C>G, p.Gly1319= (NM_001146688.2).
Identifiers: ClinVar variation 3037736 (VCV003037736.2), dbSNP rs34633400, ClinGen allele CA1750036.

ClinVar aggregate classification (germline): Benign (0 of 4 stars; one submission).

Conditions:
KDM3A-related disorder. Also called: KDM3A-related condition.

Allele frequency attached by ClinVar (database versions not stated): ExAC 0.00206; 1000 Genomes Project 0.00599; gnomAD 0.00661; 1000 Genomes Project 30x 0.00671; ESP Exome Variant Server 0.00700; TOPMed 0.00729.
gnomAD v4.1: 2,021 of 1,611,222 alleles (0.13%); highest among the groups gnomAD compares: African/African-American, 2.5%; 28 homozygotes.

Submission:

PreventionGenetics, part of Exact Sciences
Classification: Benign for KDM3A-related condition. Last evaluated: 2019-08-12. Review status: no assertion criteria provided. Collection method: clinical testing. Allele origin: germline.
Comment: This variant is classified as benign based on ACMG/AMP sequence variant interpretation guidelines (Richards et al. 2015 PMID: 25741868, with internal and published modifications).